The following is an entry in ClinVar:

ClinVar aggregate classification (germline): Uncertain significance (1 of 4 stars; one submission).

Submission:

Labcorp Genetics (formerly Invitae), Labcorp
Classification: Uncertain significance. Last evaluated: 2023-12-04. Review status: criteria provided, single submitter. Criteria: Invitae Variant Classification Sherloc (09022015). Collection method: clinical testing. Allele origin: germline.
Comment: This sequence change replaces leucine, which is neutral and non-polar, with proline, which is neutral and non-polar, at codon 13 of the KIF20A protein (p.Leu13Pro). This variant is not present in population databases (gnomAD no frequency). This variant has not been reported in the literature in individuals affected with KIF20A-related conditions. An algorithm developed to predict the effect of missense changes on protein structure and function (PolyPhen-2) suggests that this variant is likely to be tolerated. In summary, the available evidence is currently insufficient to determine the role of this variant in disease. Therefore, it has been classified as a Variant of Uncertain Significance.

NM_005733.3(KIF20A):c.38T>C (p.Leu13Pro)

Gene: KIF20A (kinesin family member 20A; plus strand). Cytogenetic location: 5q31.2.
Variant type: single nucleotide variant.
Coding change: c.38T>C on transcript NM_005733.3 (MANE Select); coding-DNA position 38, T replaced by C.
Protein change: p.Leu13Pro; replaces leucine 13 with proline.
Molecular consequence: missense variant.
Genome position (GRCh38, 1-based): chr5:138,179,718, T>C. VCF-style: chr5-138179718-T-C. GRCh37 (hg19) VCF-style: chr5-137515407-T-C.
Other names: short protein forms L13P.
Identifiers: ClinVar variation 2700929 (VCV002700929.3), dbSNP rs2482168729, ClinGen allele CA361111311.
Genomic context (GRCh38, chr5:138,179,718, plus strand): 5'-AGACCTAGGCTGCCCCTGCCGTCATGTCGCAAGGGATCCTTTCTCCGCCAGCGGGCTTGC[T>C]GTCCGATGACGATGTCGTAGTTTCTCCCATGTTTGAGTCCACAGCTGCAGATTTGGGGTC-3'
Protein context (NP_005724.1, residues 3-23): QGILSPPAGL[Leu13Pro]SDDDVVVSPM